The following is an entry in ClinVar:

ClinVar aggregate classification (germline): Uncertain significance (1 of 4 stars; one submission).

Conditions:
Epilepsy, X-linked 1, with variable learning disabilities and behavior disorders. Also called: X-linked epilepsy-learning disabilities-behavior disorders syndrome. Identifiers: Orphanet 85294, MedGen C5774177, MONDO:0010339, OMIM 300491.

Allele frequency attached by ClinVar (database versions not stated): TOPMed 0.00001.

Submission:

Labcorp Genetics (formerly Invitae), Labcorp
Classification: Uncertain significance for Epilepsy, X-linked 1, with variable learning disabilities and behavior disorders. Last evaluated: 2023-06-10. Review status: criteria provided, single submitter. Criteria: Invitae Variant Classification Sherloc (09022015). Collection method: clinical testing. Allele origin: germline.
Comment: This variant has not been reported in the literature in individuals affected with SYN1-related conditions. Variants that disrupt the consensus splice site are a relatively common cause of aberrant splicing (PMID: 17576681, 9536098). Algorithms developed to predict the effect of sequence changes on RNA splicing suggest that this variant is not likely to affect RNA splicing. In summary, the available evidence is currently insufficient to determine the role of this variant in disease. Therefore, it has been classified as a Variant of Uncertain Significance. This variant is not present in population databases (gnomAD no frequency). This sequence change falls in intron 5 of the SYN1 gene. It does not directly change the encoded amino acid sequence of the SYN1 protein. It affects a nucleotide within the consensus splice site.

Literature cited by the submitters: PubMed 17576681; PubMed 9536098.

NM_006950.3(SYN1):c.775-3C>T

Genes: SYN1 (synapsin I; minus strand), LOC121627969 (Sharpr-MPRA regulatory region 5152; plus strand). Cytogenetic location: Xp11.3.
Variant type: single nucleotide variant.
Coding change: c.775-3C>T on transcript NM_006950.3 (MANE Select); 3 bases into the intron before coding-DNA position 775, C replaced by T.
Molecular consequence: intron variant.
Genome position (GRCh38, 1-based): chrX:47,577,504, G>A on the plus strand (C>T on the coding strand, the complement: SYN1 is on the minus strand). VCF-style: chrX-47577504-G-A. GRCh37 (hg19) VCF-style: chrX-47436903-G-A.
Other names: c.775-3C>T (NM_133499.2).
Identifiers: ClinVar variation 2883733 (VCV002883733.3), dbSNP rs2057781625, ClinGen allele CA2427972304.
Genomic context (GRCh38, chrX:47,577,504, plus strand): 5'-CCATCCCAGAGTGTGCGTGCCCCATCTTCACAACCACGGGGTACGTTGTACTGCTGAGCT[G>A]GTGGGGAAAAGGCAGAGGAGACATGCTCAGGGCAGAAAGGGTGACCTCCAGGGGTGGGGC-3'